The following is an entry in ClinVar:

NM_001003694.2(BRPF1):c.808G>A (p.Val270Met)

Gene: BRPF1 (bromodomain and PHD finger containing 1; plus strand). Cytogenetic location: 3p25.3.
Variant type: single nucleotide variant.
Coding change: c.808G>A on transcript NM_001003694.2 (MANE Select); coding-DNA position 808, G replaced by A.
Protein change: p.Val270Met; replaces valine 270 with methionine.
Molecular consequence: missense variant. On other transcripts: non-coding transcript variant (1).
Genome position (GRCh38, 1-based): chr3:9,739,207, G>A. VCF-style: chr3-9739207-G-A. GRCh37 (hg19) VCF-style: chr3-9780891-G-A.
Other names: c.808G>A, p.Val270Met (NM_001319049.2, NM_001319050.2, NM_001410704.1 and 1 more transcripts); short protein forms V270M.
Identifiers: ClinVar variation 2701933 (VCV002701933.3), dbSNP rs781078333, ClinGen allele CA2241783.
Genomic context (GRCh38, chr3:9,739,207, plus strand): 5'-GACCGACTGGAGAAGGAGTCGTACTTTGAGAGTCATAATAAAGGCGACCCTAATGCGCTA[G>A]TGGACGAGGATGCTGTTTGCTGTATCTGCAATGATGGTGAGTGCCAGAACAGCAATGTCA-3'
Protein context (NP_001003694.1, residues 260-280): SHNKGDPNAL[Val270Met]DEDAVCCICN

ClinVar aggregate classification (germline): Uncertain significance (1 of 4 stars; one submission).

Allele frequency attached by ClinVar (database versions not stated): gnomAD exomes below 0.00001; TOPMed below 0.00001; ExAC 0.00001.
gnomAD v4.1: 1 of 1,613,796 alleles (0.000062%); highest among the groups gnomAD compares: Non-Finnish European, 0.000085%; no homozygotes.

Submission:

Labcorp Genetics (formerly Invitae), Labcorp
Classification: Uncertain significance. Last evaluated: 2023-12-09. Review status: criteria provided, single submitter. Criteria: Invitae Variant Classification Sherloc (09022015). Collection method: clinical testing. Allele origin: germline.
Comment: This sequence change replaces valine, which is neutral and non-polar, with methionine, which is neutral and non-polar, at codon 270 of the BRPF1 protein (p.Val270Met). This variant is present in population databases (rs781078333, gnomAD 0.0009%). This variant has not been reported in the literature in individuals affected with BRPF1-related conditions. Advanced modeling of protein sequence and biophysical properties (such as structural, functional, and spatial information, amino acid conservation, physicochemical variation, residue mobility, and thermodynamic stability) performed at Invitae indicates that this missense variant is not expected to disrupt BRPF1 protein function with a negative predictive value of 80%. In summary, the available evidence is currently insufficient to determine the role of this variant in disease. Therefore, it has been classified as a Variant of Uncertain Significance.